The following is an entry in ClinVar:

NM_000834.5(GRIN2B):c.1628G>A (p.Gly543Glu)

Gene: GRIN2B (glutamate ionotropic receptor NMDA type subunit 2B; minus strand). Cytogenetic location: 12p13.1.
Variant type: single nucleotide variant.
Coding change: c.1628G>A on transcript NM_000834.5 (MANE Select); coding-DNA position 1628, G replaced by A.
Protein change: p.Gly543Glu; replaces glycine 543 with glutamic acid.
Molecular consequence: missense variant.
Genome position (GRCh38, 1-based): chr12:13,615,140, C>T on the plus strand (G>A on the coding strand, the complement: GRIN2B is on the minus strand). VCF-style: chr12-13615140-C-T. GRCh37 (hg19) VCF-style: chr12-13768074-C-T.
Other names: short protein forms G543E.
Identifiers: ClinVar variation 1458907 (VCV001458907.6), dbSNP rs2136479365, ClinGen allele CA384051722.

ClinVar aggregate classification (germline): Pathogenic (1 of 4 stars; one submission).

Conditions:
Intellectual developmental disorder, autosomal dominant 6, with or without seizures. Also called: Intellectual disability, autosomal dominant 6; GRIN2B-related developmental delay, intellectual disability and autism spectrum disorder. Identifiers: Orphanet 589547, MedGen C3151411, MONDO:0013509, OMIM 613970.
Developmental and epileptic encephalopathy, 27 (DEE27). Also called: Epileptic encephalopathy, early infantile, 27; GRIN2B-Related Neurodevelopmental Disorder. Identifiers: Orphanet 3451, MedGen C4015316, MONDO:0014505, OMIM 616139.

Submission:

Labcorp Genetics (formerly Invitae), Labcorp
Classification: Pathogenic for Developmental and epileptic encephalopathy, 27; Intellectual developmental disorder, autosomal dominant 6, with or without seizures. Last evaluated: 2021-04-16. Review status: criteria provided, single submitter. Criteria: Invitae Variant Classification Sherloc (09022015). Collection method: clinical testing. Allele origin: germline.
Comment: For these reasons, this variant has been classified as Pathogenic. Advanced modeling of protein sequence and biophysical properties (such as structural, functional, and spatial information, amino acid conservation, physicochemical variation, residue mobility, and thermodynamic stability) performed at Invitae indicates that this missense variant is expected to disrupt GRIN2B protein function. This variant has been observed in individual(s) with clinical features of GRIN2B-related conditions (Invitae). In at least one individual the variant was observed to be de novo. This variant is not present in population databases (ExAC no frequency). This sequence change replaces glycine with glutamic acid at codon 543 of the GRIN2B protein (p.Gly543Glu). The glycine residue is highly conserved and there is a moderate physicochemical difference between glycine and glutamic acid.